The following continues an entry in ClinVar:

NM_014874.4(MFN2):c.957C>T (p.Gly319=)

Gene: MFN2. ClinVar aggregate classification (germline): Benign/Likely benign. Benign (10); Likely benign (1).

Submissions 29 to 64 of 80:

Dr. Peter K. Rogan Lab, Western University
No classification provided (evidence only). Condition: Lung cancer. Review status: no classification provided. Collection method: in vitro. Allele origin: not applicable. Functional consequence: cryptic splice site. Not counted in ClinVar's aggregate classification.

Dr. Peter K. Rogan Lab, Western University
No classification provided (evidence only). Condition: Lung cancer. Review status: no classification provided. Collection method: in vitro. Allele origin: not applicable. Functional consequence: cryptic splice site, retained intron. Not counted in ClinVar's aggregate classification.

Dr. Peter K. Rogan Lab, Western University
No classification provided (evidence only). Condition: Lung cancer. Review status: no classification provided. Collection method: in vitro. Allele origin: not applicable. Functional consequence: retained intron. Not counted in ClinVar's aggregate classification.

Dr. Peter K. Rogan Lab, Western University
No classification provided (evidence only). Condition: Lung cancer. Review status: no classification provided. Collection method: in vitro. Allele origin: not applicable. Functional consequence: retained intron. Not counted in ClinVar's aggregate classification.

Dr. Peter K. Rogan Lab, Western University
No classification provided (evidence only). Condition: Lung cancer. Review status: no classification provided. Collection method: in vitro. Allele origin: not applicable. Functional consequence: retained intron. Not counted in ClinVar's aggregate classification.

Dr. Peter K. Rogan Lab, Western University
No classification provided (evidence only). Condition: Melanoma. Review status: no classification provided. Collection method: in vitro. Allele origin: not applicable. Functional consequence: retained intron. Not counted in ClinVar's aggregate classification.

Dr. Peter K. Rogan Lab, Western University
No classification provided (evidence only). Condition: Melanoma. Review status: no classification provided. Collection method: in vitro. Allele origin: not applicable. Functional consequence: cryptic splice site, retained intron. Not counted in ClinVar's aggregate classification.

Dr. Peter K. Rogan Lab, Western University
No classification provided (evidence only). Condition: Melanoma. Review status: no classification provided. Collection method: in vitro. Allele origin: not applicable. Functional consequence: retained intron. Not counted in ClinVar's aggregate classification.

Dr. Peter K. Rogan Lab, Western University
No classification provided (evidence only). Condition: Melanoma. Review status: no classification provided. Collection method: in vitro. Allele origin: not applicable. Functional consequence: retained intron. Not counted in ClinVar's aggregate classification.

Dr. Peter K. Rogan Lab, Western University
No classification provided (evidence only). Condition: Melanoma. Review status: no classification provided. Collection method: in vitro. Allele origin: not applicable. Functional consequence: retained intron. Not counted in ClinVar's aggregate classification.

Dr. Peter K. Rogan Lab, Western University
No classification provided (evidence only). Condition: Melanoma. Review status: no classification provided. Collection method: in vitro. Allele origin: not applicable. Functional consequence: retained intron. Not counted in ClinVar's aggregate classification.

Dr. Peter K. Rogan Lab, Western University
No classification provided (evidence only). Condition: Melanoma. Review status: no classification provided. Collection method: in vitro. Allele origin: not applicable. Functional consequence: retained intron. Not counted in ClinVar's aggregate classification.

Dr. Peter K. Rogan Lab, Western University
No classification provided (evidence only). Condition: Melanoma. Review status: no classification provided. Collection method: in vitro. Allele origin: not applicable. Functional consequence: retained intron. Not counted in ClinVar's aggregate classification.

Dr. Peter K. Rogan Lab, Western University
No classification provided (evidence only). Condition: Melanoma. Review status: no classification provided. Collection method: in vitro. Allele origin: not applicable. Functional consequence: retained intron. Not counted in ClinVar's aggregate classification.

Dr. Peter K. Rogan Lab, Western University
No classification provided (evidence only). Condition: Melanoma. Review status: no classification provided. Collection method: in vitro. Allele origin: not applicable. Functional consequence: cryptic splice site, retained intron. Not counted in ClinVar's aggregate classification.

Dr. Peter K. Rogan Lab, Western University
No classification provided (evidence only). Condition: Acute myeloid leukemia. Review status: no classification provided. Collection method: in vitro. Allele origin: not applicable. Functional consequence: retained intron. Not counted in ClinVar's aggregate classification.

Dr. Peter K. Rogan Lab, Western University
No classification provided (evidence only). Condition: Acute myeloid leukemia. Review status: no classification provided. Collection method: in vitro. Allele origin: not applicable. Functional consequence: retained intron. Not counted in ClinVar's aggregate classification.

Dr. Peter K. Rogan Lab, Western University
No classification provided (evidence only). Condition: Colon adenocarcinoma. Review status: no classification provided. Collection method: in vitro. Allele origin: not applicable. Functional consequence: retained intron. Not counted in ClinVar's aggregate classification.

Dr. Peter K. Rogan Lab, Western University
No classification provided (evidence only). Condition: Colorectal cancer. Review status: no classification provided. Collection method: in vitro. Allele origin: not applicable. Functional consequence: retained intron. Not counted in ClinVar's aggregate classification.

Dr. Peter K. Rogan Lab, Western University
No classification provided (evidence only). Condition: Colorectal cancer. Review status: no classification provided. Collection method: in vitro. Allele origin: not applicable. Functional consequence: retained intron. Not counted in ClinVar's aggregate classification.

Dr. Peter K. Rogan Lab, Western University
No classification provided (evidence only). Condition: Thyroid cancer, nonmedullary, 1. Review status: no classification provided. Collection method: in vitro. Allele origin: not applicable. Functional consequence: cryptic splice site, retained intron. Not counted in ClinVar's aggregate classification.

Dr. Peter K. Rogan Lab, Western University
No classification provided (evidence only). Condition: Thyroid cancer, nonmedullary, 1. Review status: no classification provided. Collection method: in vitro. Allele origin: not applicable. Functional consequence: cryptic splice site, retained intron. Not counted in ClinVar's aggregate classification.

Dr. Peter K. Rogan Lab, Western University
No classification provided (evidence only). Condition: Thyroid cancer, nonmedullary, 1. Review status: no classification provided. Collection method: in vitro. Allele origin: not applicable. Functional consequence: cryptic splice site, retained intron. Not counted in ClinVar's aggregate classification.

Dr. Peter K. Rogan Lab, Western University
No classification provided (evidence only). Condition: Thyroid cancer, nonmedullary, 1. Review status: no classification provided. Collection method: in vitro. Allele origin: not applicable. Functional consequence: cryptic splice site, retained intron. Not counted in ClinVar's aggregate classification.

Dr. Peter K. Rogan Lab, Western University
No classification provided (evidence only). Condition: Thyroid cancer, nonmedullary, 1. Review status: no classification provided. Collection method: in vitro. Allele origin: not applicable. Functional consequence: retained intron. Not counted in ClinVar's aggregate classification.

Dr. Peter K. Rogan Lab, Western University
No classification provided (evidence only). Condition: Thyroid cancer, nonmedullary, 1. Review status: no classification provided. Collection method: in vitro. Allele origin: not applicable. Functional consequence: cryptic splice site, retained intron. Not counted in ClinVar's aggregate classification.

Dr. Peter K. Rogan Lab, Western University
No classification provided (evidence only). Condition: Thyroid cancer, nonmedullary, 1. Review status: no classification provided. Collection method: in vitro. Allele origin: not applicable. Functional consequence: cryptic splice site, retained intron. Not counted in ClinVar's aggregate classification.

Dr. Peter K. Rogan Lab, Western University
No classification provided (evidence only). Condition: Thyroid cancer, nonmedullary, 1. Review status: no classification provided. Collection method: in vitro. Allele origin: not applicable. Functional consequence: cryptic splice site, retained intron. Not counted in ClinVar's aggregate classification.

Dr. Peter K. Rogan Lab, Western University
No classification provided (evidence only). Condition: Thyroid cancer, nonmedullary, 1. Review status: no classification provided. Collection method: in vitro. Allele origin: not applicable. Functional consequence: retained intron. Not counted in ClinVar's aggregate classification.

Dr. Peter K. Rogan Lab, Western University
No classification provided (evidence only). Condition: Uterine corpus endometrial carcinoma. Review status: no classification provided. Collection method: in vitro. Allele origin: not applicable. Functional consequence: retained intron. Not counted in ClinVar's aggregate classification.

Dr. Peter K. Rogan Lab, Western University
No classification provided (evidence only). Condition: Uterine corpus endometrial carcinoma. Review status: no classification provided. Collection method: in vitro. Allele origin: not applicable. Functional consequence: retained intron. Not counted in ClinVar's aggregate classification.

Dr. Peter K. Rogan Lab, Western University
No classification provided (evidence only). Condition: Cervical cancer. Review status: no classification provided. Collection method: in vitro. Allele origin: not applicable. Functional consequence: retained intron. Not counted in ClinVar's aggregate classification.

Dr. Peter K. Rogan Lab, Western University
No classification provided (evidence only). Condition: Cervical cancer. Review status: no classification provided. Collection method: in vitro. Allele origin: not applicable. Functional consequence: cryptic splice site, retained intron. Not counted in ClinVar's aggregate classification.

Dr. Peter K. Rogan Lab, Western University
No classification provided (evidence only). Condition: Cervical cancer. Review status: no classification provided. Collection method: in vitro. Allele origin: not applicable. Functional consequence: retained intron. Not counted in ClinVar's aggregate classification.

Dr. Peter K. Rogan Lab, Western University
No classification provided (evidence only). Condition: Cervical cancer. Review status: no classification provided. Collection method: in vitro. Allele origin: not applicable. Functional consequence: retained intron. Not counted in ClinVar's aggregate classification.

Dr. Peter K. Rogan Lab, Western University
No classification provided (evidence only). Condition: Cervical cancer. Review status: no classification provided. Collection method: in vitro. Allele origin: not applicable. Functional consequence: retained intron. Not counted in ClinVar's aggregate classification.